The following is an entry in ClinVar:

ClinVar aggregate classification (germline): Uncertain significance. Review status: criteria provided, multiple submitters, no conflicts (2 of 4 stars). 5 submissions from 4 submitters: Uncertain significance (5). Last evaluated 2025-10-30.

Conditions:
Cardiovascular phenotype. Identifiers: MedGen CN230736.
Hereditary cancer-predisposing syndrome. Also called: Hereditary Cancer Syndrome; Neoplastic Syndromes, Hereditary; Tumor predisposition; Hereditary neoplastic syndrome. Identifiers: Orphanet 140162, MedGen C0027672, MeSH D009386, MONDO:0015356.
Neurofibromatosis, type 1 (NF1). Also called: Neurofibromatosis, type I; VON RECKLINGHAUSEN DISEASE; NEUROFIBROMATOSIS, TYPE I, SOMATIC; Peripheral type neurofibromatosis. Identifiers: Orphanet 636, MedGen C0027831, MONDO:0018975, OMIM 162200. Disease mechanism: loss of function.

Allele frequency attached by ClinVar (database versions not stated): gnomAD exomes below 0.00001.
gnomAD v4.1: 2 of 1,614,112 alleles (0.00012%); highest among the groups gnomAD compares: Non-Finnish European, 0.00017%; no homozygotes.

Submissions (5):

Labcorp Genetics (formerly Invitae), Labcorp
Classification: Uncertain significance for Neurofibromatosis, type 1. Last evaluated: 2025-10-30. Review status: criteria provided, single submitter. Criteria: Invitae Variant Classification Sherloc (09022015). Collection method: clinical testing. Allele origin: germline.
Comment: This sequence change replaces serine, which is neutral and polar, with glycine, which is neutral and non-polar, at codon 1992 of the NF1 protein (p.Ser1992Gly). This variant is not present in population databases (gnomAD no frequency). This variant has not been reported in the literature in individuals affected with NF1-related conditions. ClinVar contains an entry for this variant (Variation ID: 230689). Invitae Evidence Modeling of protein sequence and biophysical properties (such as structural, functional, and spatial information, amino acid conservation, physicochemical variation, residue mobility, and thermodynamic stability) has been performed for this missense variant. However, the output from this modeling did not meet the statistical confidence thresholds required to predict the impact of this variant on NF1 protein function. In summary, the available evidence is currently insufficient to determine the role of this variant in disease. Therefore, it has been classified as a Variant of Uncertain Significance.

Ambry Genetics
Classification: Uncertain significance for Cardiovascular phenotype; Hereditary cancer-predisposing syndrome. Last evaluated: 2022-11-07. Review status: criteria provided, single submitter. Criteria: Ambry Variant Classification Scheme 2023. Collection method: clinical testing. Allele origin: germline.

Genome-Nilou Lab
Classification: Uncertain significance for Neurofibromatosis, type 1. Last evaluated: 2022-03-15. Review status: criteria provided, single submitter. Criteria: ACMG Guidelines, 2015. Collection method: clinical testing. Allele origin: germline. Affected: no.

GeneDx
Classification: Uncertain significance. Last evaluated: 2019-11-05. Review status: criteria provided, single submitter. Criteria: GeneDx Variant Classification Process June 2021. Collection method: clinical testing. Allele origin: germline. Affected: yes.
Comment: Not observed in large population cohorts (Lek et al., 2016); In silico analysis, which includes protein predictors and evolutionary conservation, supports a deleterious effect; Has not been previously published as pathogenic or benign to our knowledge

Ambry Genetics
Classification: Uncertain significance for Hereditary cancer-predisposing syndrome. Last evaluated: 2015-03-06. Review status: criteria provided, single submitter. Criteria: Ambry Autosomal Dominant and X-Linked criteria (10/2015). Collection method: clinical testing. Allele origin: germline. Observed: 1 variant allele.
Comment: The p.S2013G variant (also known as c.6037A>G), located in coding exon 41 of the NF1 gene, results from an A to G substitution at nucleotide position 6037. The serine at codon 2013 is replaced by glycine, an amino acid with similar properties. This variant was not reported in population based cohorts in the following databases: Database of Single Nucleotide Polymorphisms (dbSNP), NHLBI Exome Sequencing Project (ESP), and 1000 Genomes Project. In the ESP, this variant was not observed in 6503 samples (13006 alleles) with coverage at this position. To date, this alteration has been detected with an allele frequency of approximately 0.003% (greater than 30000 alleles tested) in our clinical cohort. This amino acid position is highly conserved in available vertebrate species. In addition, this alteration is predicted to be deleterious by in silico analysis. Since supporting evidence is limited at this time, the clinical significance of p.S2013G remains unclear.

NM_001042492.3(NF1):c.6037A>G (p.Ser2013Gly)

Gene: NF1 (neurofibromin 1; plus strand). Cytogenetic location: 17q11.2.
Variant type: single nucleotide variant.
Coding change: c.6037A>G on transcript NM_001042492.3 (MANE Select); coding-DNA position 6037, A replaced by G.
Protein change: p.Ser2013Gly; replaces serine 2013 with glycine.
Molecular consequence: missense variant.
Genome position (GRCh38, 1-based): chr17:31,336,363, A>G. VCF-style: chr17-31336363-A-G. GRCh37 (hg19) VCF-style: chr17-29663381-A-G.
Other names: c.5974A>G, p.Ser1992Gly (NM_000267.4); short protein forms S1992G, S2013G.
Identifiers: ClinVar variation 230689 (VCV000230689.15), dbSNP rs876658710, ClinGen allele CA10580367.
Genomic context (GRCh38, chr17:31,336,363, plus strand): 5'-AAAAACATGTTATTTTCCTTCTTCAACTAGATTACAGATCTGCTTGATGTTGTACTAGAC[A>G]GTTTCATCAAAACCAGTGCAACAGGTGGCTTGGGATCAATAAAAGCTGAGGTGATGGCAG-3'
Protein context (NP_001035957.1, residues 2003-2023): ITDLLDVVLD[Ser2013Gly]FIKTSATGGL